The following is an entry in ClinVar:

NM_001199799.2(ILDR1):c.1087G>A (p.Asp363Asn)

Gene: ILDR1 (immunoglobulin like domain containing receptor 1; minus strand). Cytogenetic location: 3q13.33.
Variant type: single nucleotide variant.
Coding change: c.1087G>A on transcript NM_001199799.2 (MANE Select); coding-DNA position 1087, G replaced by A.
Protein change: p.Asp363Asn; replaces aspartic acid 363 with asparagine.
Molecular consequence: missense variant.
Genome position (GRCh38, 1-based): chr3:121,993,662, C>T on the plus strand (G>A on the coding strand, the complement: ILDR1 is on the minus strand). VCF-style: chr3-121993662-C-T. GRCh37 (hg19) VCF-style: chr3-121712509-C-T.
Other names: c.820G>A, p.Asp274Asn (NM_001199800.2); c.955G>A, p.Asp319Asn (NM_175924.4); short protein forms D274N, D363N, D319N.
Identifiers: ClinVar variation 1427709 (VCV001427709.6), dbSNP rs751310993, ClinGen allele CA354143936.

ClinVar aggregate classification (germline): Uncertain significance (1 of 4 stars; one submission).

Allele frequency attached by ClinVar (database versions not stated): TOPMed 0.00001; gnomAD 0.00003.
gnomAD v4.1: 7 of 1,614,094 alleles (0.00043%); highest among the groups gnomAD compares: African/African-American, 0.004%; no homozygotes.

Submission:

Labcorp Genetics (formerly Invitae), Labcorp
Classification: Uncertain significance. Last evaluated: 2021-11-08. Review status: criteria provided, single submitter. Criteria: Invitae Variant Classification Sherloc (09022015). Collection method: clinical testing. Allele origin: germline.
Comment: This sequence change replaces aspartic acid, which is acidic and polar, with asparagine, which is neutral and polar, at codon 363 of the ILDR1 protein (p.Asp363Asn). This variant is present in population databases (no rsID available, gnomAD 0.01%). This variant has not been reported in the literature in individuals affected with ILDR1-related conditions. Algorithms developed to predict the effect of missense changes on protein structure and function are either unavailable or do not agree on the potential impact of this missense change (SIFT: "Tolerated"; PolyPhen-2: "Possibly Damaging"; Align-GVGD: "Class C0"). In summary, the available evidence is currently insufficient to determine the role of this variant in disease. Therefore, it has been classified as a Variant of Uncertain Significance.